The following is an entry in ClinVar:

NM_080546.5(SLC44A1):c.673C>T (p.Leu225=)

Gene: SLC44A1 (solute carrier family 44 member 1; plus strand). Cytogenetic location: 9q31.1.
Variant type: single nucleotide variant.
Coding change: c.673C>T on transcript NM_080546.5 (MANE Select); coding-DNA position 673, C replaced by T.
Protein change: p.Leu225=; no amino-acid change (leucine 225 retained).
Molecular consequence: synonymous variant.
Genome position (GRCh38, 1-based): chr9:105,358,346, C>T. VCF-style: chr9-105358346-C-T. GRCh37 (hg19) VCF-style: chr9-108120627-C-T.
Other names: c.673C>T, p.Leu225= (NM_001286730.2, NM_001330731.2).
Identifiers: ClinVar variation 3053180 (VCV003053180.2), dbSNP rs755773290, ClinGen allele CA5169726.

ClinVar aggregate classification (germline): Likely benign (0 of 4 stars; one submission).

Conditions:
SLC44A1-related disorder. Also called: SLC44A1-related condition.

Allele frequency attached by ClinVar (database versions not stated): ExAC 0.00002; TOPMed 0.00004; gnomAD 0.00005.
gnomAD v4.1: 93 of 1,521,620 alleles (0.0061%); highest among the groups gnomAD compares: Non-Finnish European, 0.008%; no homozygotes.

Submission:

PreventionGenetics, part of Exact Sciences
Classification: Likely benign for SLC44A1-related condition. Last evaluated: 2019-03-01. Review status: no assertion criteria provided. Collection method: clinical testing. Allele origin: germline.
Comment: This variant is classified as likely benign based on ACMG/AMP sequence variant interpretation guidelines (Richards et al. 2015 PMID: 25741868, with internal and published modifications).